The following is an entry in ClinVar:

NM_152641.4(ARID2):c.4739A>T (p.His1580Leu)

Gene: ARID2 (AT-rich interaction domain 2; plus strand). Cytogenetic location: 12q12.
Variant type: single nucleotide variant.
Coding change: c.4739A>T on transcript NM_152641.4 (MANE Select); coding-DNA position 4739, A replaced by T.
Protein change: p.His1580Leu; replaces histidine 1580 with leucine.
Molecular consequence: missense variant.
Genome position (GRCh38, 1-based): chr12:45,852,862, A>T. VCF-style: chr12-45852862-A-T. GRCh37 (hg19) VCF-style: chr12-46246645-A-T.
Other names: c.4739A>T, p.His1580Leu (NM_001347839.2); short protein forms H1580L.
Identifiers: ClinVar variation 3945850 (VCV003945850.7).
Genomic context (GRCh38, chr12:45,852,862, plus strand): 5'-CAGATCCAAGCACTGTAGCTAAAGTAGCAATAGAAAGTGCTGTTCAGCAAAAGCAACAGC[A>T]TCCACCAACATATGTACAGAATGTGGTCCCGCAGGTAAGTTATTCCATGATCACATTTCT-3'
Protein context (NP_689854.2, residues 1570-1590): IESAVQQKQQ[His1580Leu]PPTYVQNVVP

ClinVar aggregate classification (germline): Likely benign. Review status: criteria provided, multiple submitters, no conflicts (2 of 4 stars). 2 submissions from 2 submitters: Likely benign (2). Last evaluated 2025-10-01.

Conditions:
Inborn genetic diseases. Identifiers: MedGen C0950123, MeSH D030342.

gnomAD v4.1: 70 of 1,609,534 alleles (0.0043%); highest among the groups gnomAD compares: Non-Finnish European, 0.0056%; no homozygotes.

Submissions (2):

CeGaT Center for Human Genetics Tuebingen
Classification: Likely benign. Last evaluated: 2025-10-01. Review status: criteria provided, single submitter. Criteria: CeGaT Center For Human Genetics Tuebingen Variant Classification Criteria Version 2. Collection method: clinical testing. Allele origin: germline. Affected: yes. Observed: 1 variant allele.
Comment: ARID2: BP4

Ambry Genetics
Classification: Likely benign for Inborn genetic diseases. Last evaluated: 2025-05-29. Review status: criteria provided, single submitter. Criteria: Ambry Variant Classification Scheme 2023. Collection method: clinical testing. Allele origin: germline.